The following is an entry in ClinVar:

NM_052947.4(ALPK2):c.3254A>G (p.His1085Arg)

Gene: ALPK2 (alpha kinase 2; minus strand). Cytogenetic location: 18q21.31.
Variant type: single nucleotide variant.
Coding change: c.3254A>G on transcript NM_052947.4 (MANE Select); coding-DNA position 3254, A replaced by G.
Protein change: p.His1085Arg; replaces histidine 1085 with arginine.
Molecular consequence: missense variant.
Genome position (GRCh38, 1-based): chr18:58,536,933, T>C on the plus strand (A>G on the coding strand, the complement: ALPK2 is on the minus strand). VCF-style: chr18-58536933-T-C. GRCh37 (hg19) VCF-style: chr18-56204165-T-C.
Other names: short protein forms H1085R.
Identifiers: ClinVar variation 3290341 (VCV003290341.1).

ClinVar aggregate classification (germline): Uncertain significance (1 of 4 stars; one submission).

Submission:

Ambry Genetics
Classification: Uncertain significance. Last evaluated: 2024-05-04. Review status: criteria provided, single submitter. Criteria: Ambry Variant Classification Scheme 2023. Collection method: clinical testing. Allele origin: germline.
Comment: The p.H1085R variant (also known as c.3254A>G), located in coding exon 4 of the ALPK2 gene, results from an A to G substitution at nucleotide position 3254. The histidine at codon 1085 is replaced by arginine, an amino acid with highly similar properties. This amino acid position is conserved. In addition, this alteration is predicted to be tolerated by in silico analysis. Based on the available evidence, the clinical significance of this variant remains unclear.